The following is an entry in ClinVar:

NM_006567.5(FARS2):c.904+166G>A

Gene: FARS2 (phenylalanyl-tRNA synthetase 2, mitochondrial; plus strand). Cytogenetic location: 6p25.1.
Variant type: single nucleotide variant.
Coding change: c.904+166G>A on transcript NM_006567.5 (MANE Select); 166 bases into the intron after coding-DNA position 904, G replaced by A.
Molecular consequence: intron variant.
Genome position (GRCh38, 1-based): chr6:5,431,338, G>A. VCF-style: chr6-5431338-G-A. GRCh37 (hg19) VCF-style: chr6-5431571-G-A.
Other names: c.904+166G>A (NM_001374878.1, NM_001318872.2, NM_001374877.1 and 4 more transcripts); c.772+26637G>A (NM_001375258.1); c.208+166G>A (NM_001375260.1, NM_001375259.1).
Identifiers: ClinVar variation 680564 (VCV000680564.1), dbSNP rs2432760, ClinGen allele CA12411118.
Genomic context (GRCh38, chr6:5,431,338, plus strand): 5'-AGCGGCATCACTGGTCTCTCTTCAGATTCCCCTCTAGATTTGTCTTTGATACTAAGCCCT[G>A]GAAAAACTTATTTCTCACATCCGTATTTGCAAAGGCTCTTTGTCTTTGGAGATCCACCTT-3'

ClinVar aggregate classification (germline): Benign (1 of 4 stars; one submission).

Allele frequency attached by ClinVar (database versions not stated): gnomAD 0.72016 and 0.72149; TOPMed 0.72404; 1000 Genomes Project 30x 0.75750; 1000 Genomes Project 0.76018.
gnomAD v4.1: 109,717 of 152,092 alleles (72%); highest among the groups gnomAD compares: East Asian, 91%; 39,841 homozygotes.

Submission:

GeneDx
Classification: Benign. Last evaluated: 2018-06-14. Review status: criteria provided, single submitter. Criteria: GeneDx Variant Classification (06012015). Collection method: clinical testing. Allele origin: germline. Affected: yes.
Comment: This variant is considered likely benign or benign based on one or more of the following criteria: it is a conservative change, it occurs at a poorly conserved position in the protein, it is predicted to be benign by multiple in silico algorithms, and/or has population frequency not consistent with disease.